The following is an entry in ClinVar:

ClinVar aggregate classification (germline): Uncertain significance (1 of 4 stars; one submission).

Conditions:
Bethlem myopathy 1A. Also called: Bethlem Muscular Dystrophy; Bethlem myopathy 1; MYOPATHY, BENIGN CONGENITAL, WITH CONTRACTURES. Identifiers: Orphanet 610, MedGen CN029274, MONDO:0024530, OMIM 158810.

Submission:

Labcorp Genetics (formerly Invitae), Labcorp
Classification: Uncertain significance for Bethlem myopathy 1A. Last evaluated: 2021-06-09. Review status: criteria provided, single submitter. Criteria: Invitae Variant Classification Sherloc (09022015). Collection method: clinical testing. Allele origin: germline.
Comment: In summary, the available evidence is currently insufficient to determine the role of this variant in disease. Therefore, it has been classified as a Variant of Uncertain Significance. Algorithms developed to predict the effect of missense changes on protein structure and function (SIFT, PolyPhen-2, Align-GVGD) all suggest that this variant is likely to be tolerated, but these predictions have not been confirmed by published functional studies and their clinical significance is uncertain. This variant has not been reported in the literature in individuals with COL6A3-related conditions. This variant is not present in population databases (ExAC no frequency). This sequence change replaces isoleucine with threonine at codon 509 of the COL6A3 protein (p.Ile509Thr). The isoleucine residue is weakly conserved and there is a moderate physicochemical difference between isoleucine and threonine.

NM_004369.4(COL6A3):c.1526T>C (p.Ile509Thr)

Gene: COL6A3 (collagen type VI alpha 3 chain; minus strand). Cytogenetic location: 2q37.3.
Variant type: single nucleotide variant.
Coding change: c.1526T>C on transcript NM_004369.4 (MANE Select); coding-DNA position 1526, T replaced by C.
Protein change: p.Ile509Thr; replaces isoleucine 509 with threonine.
Molecular consequence: missense variant.
Genome position (GRCh38, 1-based): chr2:237,381,286, A>G on the plus strand (T>C on the coding strand, the complement: COL6A3 is on the minus strand). VCF-style: chr2-237381286-A-G. GRCh37 (hg19) VCF-style: chr2-238289929-A-G.
Other names: c.305T>C, p.Ile102Thr (NM_057164.5, NM_057166.5); c.908T>C, p.Ile303Thr (NM_057165.5, NM_057167.4); short protein forms I303T, I102T, I509T.
Identifiers: ClinVar variation 955631 (VCV000955631.10), dbSNP rs2077998366, ClinGen allele CA351217743.